The following is an entry in ClinVar:

NM_001267550.2(TTN):c.76724_76727dup (p.Ser25576delinsArgTer)

Genes: TTN (titin; minus strand), TTN-AS1 (TTN antisense RNA 1; plus strand). Cytogenetic location: 2q31.2.
Variant type: Duplication.
Coding change: c.76724_76727dup on transcript NM_001267550.2 (MANE Select); coding-DNA positions 76724 to 76727, 4 bases duplicated (ATAG; older notation c.76724_76727dupATAG).
Protein change: p.Ser25576delinsArgTer.
Molecular consequence: nonsense.
Genome position (GRCh38, 1-based): chr2:178,569,405-178,569,408, CTAT duplicated on the plus strand (ATAG on the coding strand, the reverse complement: TTN is on the minus strand); duplicating any 4 consecutive bases within chr2:178,569,405-178,569,409 gives the same sequence; the c. name uses the placement nearest the transcript's 3' end. VCF-style (leftmost placement, unchanged base first): chr2-178569404-A-ACTAT. GRCh37 (hg19) VCF-style: chr2-179434131-A-ACTAT.
Other names: c.71801_71804dup, p.Ser23935delinsArgTer (NM_001256850.1); c.49529_49532dup, p.Ser16511delinsArgTer (NM_003319.4); c.69020_69023dup, p.Ser23008delinsArgTer (NM_133378.4); c.49904_49907dup, p.Ser16636delinsArgTer (NM_133432.3); c.50105_50108dup, p.Ser16703delinsArgTer (NM_133437.4).
Identifiers: ClinVar variation 1497797 (VCV001497797.8), dbSNP rs2154167762, ClinGen allele CA2573133036.
Genomic context (GRCh38, chr2:178,569,404, plus strand): 5'-CACAGTAACAAAGGCAGACTTTGTTCCACTGCTGTTTTCTAATGTAAGCGTATATTTTCC[A>ACTAT]CTATCATATCGGTTGACATTGTCAAGAACAAGAGAGGTGAAACTGCTAGTGACATCAATT-3'

ClinVar aggregate classification (germline): Likely pathogenic (1 of 4 stars; one submission).

Conditions:
Dilated cardiomyopathy 1G (CMD1G). Identifiers: Orphanet 154, MedGen C1858763, MONDO:0011400, OMIM 604145.
Autosomal recessive limb-girdle muscular dystrophy type 2J (LGMDR10). Also called: Limb-girdle muscular dystrophy, type 2J; MUSCULAR DYSTROPHY, LIMB-GIRDLE, AUTOSOMAL RECESSIVE 10. Identifiers: Orphanet 140922, MedGen C1837342, MONDO:0012127, OMIM 608807.

Submission:

Labcorp Genetics (formerly Invitae), Labcorp
Classification: Likely pathogenic for Dilated cardiomyopathy 1G; Autosomal recessive limb-girdle muscular dystrophy type 2J. Last evaluated: 2021-04-04. Review status: criteria provided, single submitter. Criteria: Invitae Variant Classification Sherloc (09022015). Collection method: clinical testing. Allele origin: germline.
Comment: In summary, the currently available evidence indicates that the variant is pathogenic, but additional data are needed to prove that conclusively. Therefore, this variant has been classified as Likely Pathogenic. This variant is located in the A band of TTN (PMID: 25589632). Truncating variants in this region are significantly overrepresented in patients affected with dilated cardiomyopathy (PMID: 25589632). Truncating variants in this region have also been reported in individuals affected with autosomal recessive centronuclear myopathy (PMID: 23975875). Algorithms developed to predict the effect of sequence changes on RNA splicing suggest that this variant may create or strengthen a splice site, but this prediction has not been confirmed by published transcriptional studies. This variant has not been reported in the literature in individuals with TTN-related conditions. This variant is not present in population databases (ExAC no frequency). This sequence change creates a premature translational stop signal (p.Ser25576Argfs*2) in the TTN gene. While this is not anticipated to result in nonsense mediated decay, it is expected to create a truncated TTN protein.

Literature cited by the submitters: PubMed 25589632; PubMed 23975875.